The following is an entry in ClinVar:

ClinVar aggregate classification (germline): Uncertain significance (1 of 4 stars; one submission).

Conditions:
Cystinuria (CSNU). Also called: CYSTINURIA, TYPE I; CYSTINURIA, TYPE II; CYSTINURIA, TYPE III; Cystinuria, non-type I. Identifiers: Orphanet 214, MedGen C0010691, MONDO:0009067, OMIM 220100, HP:0003131.

Allele frequency attached by ClinVar (database versions not stated): TOPMed 0.00002.
gnomAD v4.1: 4 of 1,613,848 alleles (0.00025%); highest among the groups gnomAD compares: African/African-American, 0.0027%; no homozygotes.

Submission:

Labcorp Genetics (formerly Invitae), Labcorp
Classification: Uncertain significance for Cystinuria. Last evaluated: 2022-04-22. Review status: criteria provided, single submitter. Criteria: Invitae Variant Classification Sherloc (09022015). Collection method: clinical testing. Allele origin: germline.
Comment: This sequence change replaces proline, which is neutral and non-polar, with leucine, which is neutral and non-polar, at codon 185 of the SLC3A1 protein (p.Pro185Leu). This variant is not present in population databases (gnomAD no frequency). This variant has not been reported in the literature in individuals affected with SLC3A1-related conditions. Algorithms developed to predict the effect of missense changes on protein structure and function are either unavailable or do not agree on the potential impact of this missense change (SIFT: "Deleterious"; PolyPhen-2: "Possibly Damaging"; Align-GVGD: "Class C0"). In summary, the available evidence is currently insufficient to determine the role of this variant in disease. Therefore, it has been classified as a Variant of Uncertain Significance.

NM_000341.4(SLC3A1):c.554C>T (p.Pro185Leu)

Gene: SLC3A1 (solute carrier family 3 member 1; plus strand). Cytogenetic location: 2p21.
Variant type: single nucleotide variant.
Coding change: c.554C>T on transcript NM_000341.4 (MANE Select); coding-DNA position 554, C replaced by T.
Protein change: p.Pro185Leu; replaces proline 185 with leucine.
Molecular consequence: missense variant.
Genome position (GRCh38, 1-based): chr2:44,280,839, C>T. VCF-style: chr2-44280839-C-T. GRCh37 (hg19) VCF-style: chr2-44507978-C-T.
Other names: short protein forms P185L.
Identifiers: ClinVar variation 2069947 (VCV002069947.4), dbSNP rs569856127, ClinGen allele CA46490611.